The following is an entry in ClinVar:

NM_001166108.2(PALLD):c.1965-12772delinsCCGCCCC

Gene: PALLD (palladin, cytoskeletal associated protein; plus strand). Cytogenetic location: 4q32.3.
Variant type: Indel.
Coding change: c.1965-12772delinsCCGCCCC on transcript NM_001166108.2 (MANE Select); 12772 bases into the intron before coding-DNA position 1965, T replaced by CCGCCCC.
Molecular consequence: intron variant. On other transcripts: inframe indel (1).
Genome position (GRCh38, 1-based): chr4:168,878,150, T replaced by CCGCCCC. VCF-style: chr4-168878150-T-CCGCCCC. GRCh37 (hg19) VCF-style: chr4-169799301-T-CCGCCCC.
Other names: c.259delinsCCGCCCC, p.Ser87delinsProProPro (NM_001166110.2); c.1965-12772delinsCCGCCCC (NM_016081.4); c.819-12772delinsCCGCCCC (NM_001166109.2); c.-157-12772delinsCCGCCCC (NM_001367570.1, NM_001367568.1, NM_001367567.1 and 1 more transcripts).
Identifiers: ClinVar variation 542934 (VCV000542934.5), dbSNP rs1553965326, ClinGen allele CA658796477.

ClinVar aggregate classification (germline): Uncertain significance (1 of 4 stars; one submission).

Conditions:
Pancreatic adenocarcinoma. Identifiers: MedGen C0281361, MONDO:0006047, HP:0006725.

Submission:

Labcorp Genetics (formerly Invitae), Labcorp
Classification: Uncertain significance for Pancreatic adenocarcinoma. Last evaluated: 2023-04-11. Review status: criteria provided, single submitter. Criteria: Invitae Variant Classification Sherloc (09022015). Collection method: clinical testing. Allele origin: germline.
Comment: In summary, the available evidence is currently insufficient to determine the role of this variant in disease. Therefore, it has been classified as a Variant of Uncertain Significance. Experimental studies and prediction algorithms are not available or were not evaluated, and the functional significance of this variant is currently unknown. This variant has not been reported in the literature in individuals affected with PALLD-related conditions. This variant is not present in population databases (gnomAD no frequency). This variant, c.259delinsCCGCCCC, is a complex sequence change that results in the deletion of 1 and insertion of 3 amino acid(s) in the PALLD protein (p.Ser87delinsProProPro).